The following is an entry in ClinVar:

ClinVar aggregate classification (germline): Benign/Likely benign. Review status: criteria provided, multiple submitters, no conflicts (2 of 4 stars). 5 submissions from 5 submitters: Benign (1); Likely benign (3). 1 of the submissions does not count toward it. Last evaluated 2025-12-23.

Conditions:
ANLN-related disorder. Also called: ANLN-related condition.
Focal segmental glomerulosclerosis 8 (FSGS8). Identifiers: Orphanet 656, MedGen C4014993, MONDO:0014462, OMIM 616032.

Allele frequency attached by ClinVar (database versions not stated): 1000 Genomes Project 0.00080; 1000 Genomes Project 30x 0.00094; gnomAD exomes 0.00148 and 0.00292; ExAC 0.00150; gnomAD 0.00186 and 0.00189; TOPMed 0.00203; ESP Exome Variant Server 0.00292.
gnomAD v4.1: 4,575 of 1,614,100 alleles (0.28%); highest among the groups gnomAD compares: Non-Finnish European, 0.36%; 10 homozygotes.

Submissions (5):

Labcorp Genetics (formerly Invitae), Labcorp
Classification: Likely benign. Last evaluated: 2025-12-23. Review status: criteria provided, single submitter. Criteria: Invitae Variant Classification Sherloc (09022015). Collection method: clinical testing. Allele origin: germline.

Blueprint Genetics
Classification: Likely benign. Last evaluated: 2024-11-21. Review status: criteria provided, single submitter. Criteria: ACMG Guidelines, 2015. Collection method: clinical testing. Allele origin: germline.

CeGaT Center for Human Genetics Tuebingen
Classification: Benign. Last evaluated: 2022-09-01. Review status: criteria provided, single submitter. Criteria: CeGaT Center For Human Genetics Tuebingen Variant Classification Criteria Version 2. Collection method: clinical testing. Allele origin: germline. Affected: yes. Observed: 1 variant allele.
Comment: ANLN: BS1, BS2

Fulgent Genetics
Classification: Likely benign for Focal segmental glomerulosclerosis 8. Last evaluated: 2022-05-13. Review status: criteria provided, single submitter. Criteria: ACMG Guidelines, 2015. Collection method: clinical testing. Allele origin: unknown.

PreventionGenetics, part of Exact Sciences
Classification: Likely benign for ANLN-related condition. Last evaluated: 2020-08-05. Review status: no assertion criteria provided. Collection method: clinical testing. Allele origin: germline. Not counted in ClinVar's aggregate classification.
Comment: This variant is classified as likely benign based on ACMG/AMP sequence variant interpretation guidelines (Richards et al. 2015 PMID: 25741868, with internal and published modifications).

NM_018685.5(ANLN):c.3325A>G (p.Ile1109Val)

Gene: ANLN (anillin, actin binding protein; plus strand). Cytogenetic location: 7p14.2.
Variant type: single nucleotide variant.
Coding change: c.3325A>G on transcript NM_018685.5 (MANE Select); coding-DNA position 3325, A replaced by G.
Protein change: p.Ile1109Val; replaces isoleucine 1109 with valine.
Molecular consequence: missense variant.
Genome position (GRCh38, 1-based): chr7:36,452,550, A>G. VCF-style: chr7-36452550-A-G. GRCh37 (hg19) VCF-style: chr7-36492159-A-G.
Other names: c.3325A>G (NM_018685.4); c.3214A>G, p.Ile1072Val (NM_001284301.3); c.3211A>G, p.Ile1071Val (NM_001284302.3); short protein forms I1071V, I1072V, I1109V.
Identifiers: ClinVar variation 1154941 (VCV001154941.41), dbSNP rs141247770, ClinGen allele CA4220152.
Genomic context (GRCh38, chr7:36,452,550, plus strand): 5'-GCAGATACTAAAGAAGAGCGGGATCTCTGGATGCAAAAACTCAATCAAGTTCTTGTTGAT[A>G]TTCGCCTCTGGCAACCTGATGCTTGCTACAAACCTATTGGAAAGCCTTAAACCGGGAAAT-3'
Protein context (NP_061155.2, residues 1099-1119): MQKLNQVLVD[Ile1109Val]RLWQPDACYK